The following is an entry in ClinVar:

NM_000038.6(APC):c.3643A>G (p.Ser1215Gly)

Gene: APC (APC regulator of Wnt signaling pathway; plus strand). Cytogenetic location: 5q22.2.
Variant type: single nucleotide variant.
Coding change: c.3643A>G on transcript NM_000038.6 (MANE Select); coding-DNA position 3643, A replaced by G.
Protein change: p.Ser1215Gly; replaces serine 1215 with glycine.
Molecular consequence: missense variant. On other transcripts: non-coding transcript variant (2).
Genome position (GRCh38, 1-based): chr5:112,839,237, A>G. VCF-style: chr5-112839237-A-G. GRCh37 (hg19) VCF-style: chr5-112174934-A-G.
Other names: c.3643A>G, p.Ser1215Gly (NM_001127510.3, NM_001354895.2, NM_001407450.1); c.3589A>G, p.Ser1197Gly (NM_001127511.3); c.3697A>G, p.Ser1233Gly (NM_001354896.2, NM_001407447.1, NM_001407448.1 and 1 more transcripts); c.3673A>G, p.Ser1225Gly (NM_001354897.2); c.3568A>G, p.Ser1190Gly (NM_001354898.2); c.3559A>G, p.Ser1187Gly (NM_001354899.2); c.3520A>G, p.Ser1174Gly (NM_001354900.2); c.3466A>G, p.Ser1156Gly (NM_001354901.2, NM_001407453.1); and 11 more; short protein forms S1174G, S1205G, S1086G, S1114G, S1124G, S1132G, S1190G, S1215G.
Identifiers: ClinVar variation 2774954 (VCV002774954.2), dbSNP rs2149896195, ClinGen allele CA16029333.

ClinVar aggregate classification (germline): Uncertain significance (1 of 4 stars; one submission).

Conditions:
Hereditary cancer-predisposing syndrome. Also called: Neoplastic Syndromes, Hereditary; Tumor predisposition; Hereditary Cancer Syndrome; Hereditary neoplastic syndrome. Identifiers: Orphanet 140162, MedGen C0027672, MeSH D009386, MONDO:0015356.

Submission:

Color Diagnostics, LLC DBA Color Health
Classification: Uncertain significance for Hereditary cancer-predisposing syndrome. Last evaluated: 2022-11-07. Review status: criteria provided, single submitter. Criteria: ACMG Guidelines, 2015. Collection method: clinical testing. Allele origin: germline.
Comment: This missense variant replaces serine with glycine at codon 1215 of the APC protein. Computational prediction suggests that this variant may not impact protein structure and function (internally defined REVEL score threshold <= 0.5, PMID: 27666373). To our knowledge, functional studies have not been reported for this variant. This variant has not been reported in individuals affected with APC-related disorders in the literature. This variant has not been identified in the general population by the Genome Aggregation Database (gnomAD). The available evidence is insufficient to determine the role of this variant in disease conclusively. Therefore, this variant is classified as a Variant of Uncertain Significance.